The following is an entry in ClinVar:

NM_006218.4(PIK3CA):c.1269A>T (p.Ala423=)

Gene: PIK3CA (phosphatidylinositol-4,5-bisphosphate 3-kinase catalytic subunit alpha; plus strand). Cytogenetic location: 3q26.32.
Variant type: single nucleotide variant.
Coding change: c.1269A>T on transcript NM_006218.4 (MANE Select); coding-DNA position 1269, A replaced by T.
Protein change: p.Ala423=; no amino-acid change (alanine 423 retained).
Molecular consequence: synonymous variant.
Genome position (GRCh38, 1-based): chr3:179,210,203, A>T. VCF-style: chr3-179210203-A-T. GRCh37 (hg19) VCF-style: chr3-178927991-A-T.
Other names: c.1269A>T (LRG_310t1).
Identifiers: ClinVar variation 526642 (VCV000526642.26), dbSNP rs761246978, ClinGen allele CA2710692.

ClinVar aggregate classification (germline): Likely benign. Review status: criteria provided, multiple submitters, no conflicts (2 of 4 stars). 3 submissions from 3 submitters: Likely benign (3). Last evaluated 2025-02-01.

Conditions:
Inborn genetic diseases. Identifiers: MedGen C0950123, MeSH D030342.
Cowden syndrome (CS). Also called: Cowden's disease; Cowden's syndrome; Cowden disease. Identifiers: Orphanet 201, MedGen C0018553, MONDO:0016063. Disease mechanism: gain of function.

Allele frequency attached by ClinVar (database versions not stated): gnomAD exomes below 0.00001 and 0.00001; ExAC 0.00001.
gnomAD v4.1: 9 of 1,586,216 alleles (0.00057%); highest among the groups gnomAD compares: Non-Finnish European, 0.00077%; no homozygotes.

Submissions (3):

CeGaT Center for Human Genetics Tuebingen
Classification: Likely benign. Last evaluated: 2025-02-01. Review status: criteria provided, single submitter. Criteria: CeGaT Center For Human Genetics Tuebingen Variant Classification Criteria Version 2. Collection method: clinical testing. Allele origin: germline. Affected: yes. Observed: 1 variant allele.
Comment: PIK3CA: BP4, BP7

Labcorp Genetics (formerly Invitae), Labcorp
Classification: Likely benign for Cowden syndrome. Last evaluated: 2023-05-25. Review status: criteria provided, single submitter. Criteria: Invitae Variant Classification Sherloc (09022015). Collection method: clinical testing. Allele origin: germline.

Ambry Genetics
Classification: Likely benign for Inborn genetic diseases. Last evaluated: 2022-10-14. Review status: criteria provided, single submitter. Criteria: Ambry Variant Classification Scheme 2023. Collection method: clinical testing. Allele origin: germline.